The following is an entry in ClinVar:

NM_000465.4(BARD1):c.1646_1647dup (p.Glu550fs)

Gene: BARD1 (BRCA1 associated RING domain 1; minus strand). Cytogenetic location: 2q35.
Variant type: Duplication.
Coding change: c.1646_1647dup on transcript NM_000465.4 (MANE Select); coding-DNA positions 1646 to 1647, 2 bases duplicated (AT; older notation c.1646_1647dupAT).
Protein change: p.Glu550fs; shifts the reading frame from glutamic acid 550.
Molecular consequence: frameshift variant. On other transcripts: non-coding transcript variant (3), intron variant (1).
Genome position (GRCh38, 1-based): chr2:214,752,477-214,752,478, AT duplicated on the plus strand (AT on the coding strand, the reverse complement: BARD1 is on the minus strand). VCF-style (leftmost placement, unchanged base first): chr2-214752476-C-CAT. GRCh37 (hg19) VCF-style: chr2-215617200-C-CAT.
Other names: c.1589_1590dup, p.Glu531fs (NM_001282543.2); c.293_294dup, p.Glu99fs (NM_001282545.2); c.236_237dup, p.Glu80fs (NM_001282548.2); c.365-21970_365-21969dup (NM_001282549.2); short protein forms E550fs, E80fs, E99fs, E531fs.
Identifiers: ClinVar variation 918517 (VCV000918517.3), dbSNP rs1693501054, ClinGen allele CA913188271.
Genomic context (GRCh38, chr2:214,752,476, plus strand): 5'-ATAAATGTCCCAAAGCTAAATCCATACTTACTACTGAGCAGTGGCTAGCTGAGGATGATT[C>CAT]ATTCTTCTCTGGTAGCAGCAATAGCGATTTCATACTTTCATCATCTGTATAATCGACAGG-3'

ClinVar aggregate classification (germline): Pathogenic (1 of 4 stars; one submission).

Conditions:
Hereditary cancer-predisposing syndrome. Also called: Neoplastic Syndromes, Hereditary; Tumor predisposition; Hereditary Cancer Syndrome; Hereditary neoplastic syndrome. Identifiers: Orphanet 140162, MedGen C0027672, MeSH D009386, MONDO:0015356.

Submission:

Color Diagnostics, LLC DBA Color Health
Classification: Pathogenic for Hereditary cancer-predisposing syndrome. Last evaluated: 2020-01-15. Review status: criteria provided, single submitter. Criteria: ACMG Guidelines, 2015. Collection method: clinical testing. Allele origin: germline.
Comment: This variant inserts 2 nucleotides in exon 7 of the BARD1 gene, creating a frameshift and premature translation stop signal. This variant is expected to result in an absent or non-functional protein product. This variant has not been identified in the general population by the Genome Aggregation Database (gnomAD). Loss of BARD1 function is a known mechanism of disease. Based on the available evidence, this variant is classified as Pathogenic.